The following is an entry in ClinVar:

ClinVar aggregate classification (germline): Pathogenic. Review status: reviewed by expert panel (3 of 4 stars). 3 submissions from 3 submitters: Pathogenic (1). 2 of the submissions do not count toward it. Last evaluated 2017-12-15.

Conditions:
Hereditary cancer-predisposing syndrome. Also called: Tumor predisposition; Neoplastic Syndromes, Hereditary; Hereditary Cancer Syndrome; Hereditary neoplastic syndrome. Identifiers: Orphanet 140162, MedGen C0027672, MeSH D009386, MONDO:0015356.
Breast-ovarian cancer, familial, susceptibility to, 1 (BROVCA1). Also called: OVARIAN CANCER, SUSCEPTIBILITY TO; BRCA1 Hereditary Breast and Ovarian Cancer. Identifiers: Orphanet 145, MedGen C2676676, MONDO:0011450, OMIM 604370. Disease mechanism: loss of function.

Submissions (3):

Evidence-based Network for the Interpretation of Germline Mutant Alleles (ENIGMA)
Classification: Pathogenic for Breast-ovarian cancer, familial, susceptibility to, 1. Last evaluated: 2017-12-15. Review status: reviewed by expert panel. Criteria: ENIGMA BRCA1/2 Classification Criteria (2017-06-29). Collection method: curation. Allele origin: germline. Study: ENIGMA.
Comment: Variant allele predicted to encode a truncated non-functional protein.

Ambry Genetics
Classification: Pathogenic for Hereditary cancer-predisposing syndrome. Last evaluated: 2017-08-04. Review status: criteria provided, single submitter. Criteria: Ambry Variant Classification Scheme 2023. Collection method: clinical testing. Allele origin: germline. Not counted in ClinVar's aggregate classification.
Comment: The c.4775_4779delACATAinsC pathogenic mutation, located in coding exon 14 of the BRCA1 gene, results from the deletion of 5 nucleotides and insertion of one nucleotide causing a translational frameshift with a predicted alternate stop codon (p.N1592Tfs*8). This alteration is expected to result in loss of function by premature protein truncation or nonsense-mediated mRNA decay. As such, this alteration is interpreted as a disease-causing mutation.

Sharing Clinical Reports Project (SCRP)
Classification: Pathogenic for Breast-ovarian cancer, familial 1. Last evaluated: 2009-07-17. Review status: no assertion criteria provided. Collection method: clinical testing. Allele origin: germline. Not counted in ClinVar's aggregate classification.

NM_007294.4(BRCA1):c.4775_4779delinsC (p.Asn1592fs)

Gene: BRCA1 (BRCA1 DNA repair associated; minus strand). Cytogenetic location: 17q21.31.
Variant type: Indel.
Coding change: c.4775_4779delinsC on transcript NM_007294.4 (MANE Select); coding-DNA positions 4775 to 4779, ACATA replaced by C.
Protein change: p.Asn1592fs; shifts the reading frame from asparagine 1592.
Molecular consequence: frameshift variant. On other transcripts: non-coding transcript variant (1).
Genome position (GRCh38, 1-based): chr17:43,071,135-43,071,139, TATGT replaced by G on the plus strand (ACATA replaced by C on the coding strand, the reverse complement: BRCA1 is on the minus strand). VCF-style: chr17-43071135-TATGT-G. GRCh37 (hg19) VCF-style: chr17-41223152-TATGT-G.
Other names: 4894del5insC; c.4562_4566delACATAinsC, p.Asn1521Thrfs (NM_001407571.1, NM_001407894.1, NM_001407895.1 and 12 more transcripts); c.4841_4845delACATAinsC, p.Asn1614Thrfs (NM_001407581.1, NM_001407582.1); c.4838_4842delACATAinsC, p.Asn1613Thrfs (NM_001407583.1, NM_001407585.1, NM_001407587.1); c.4835_4839delACATAinsC, p.Asn1612Thrfs (NM_001407590.1, NM_001407591.1); c.4775_4779delACATAinsC, p.Asn1592Thrfs (NM_001407593.1, NM_001407594.1, NM_001407596.1 and 8 more transcripts); c.4772_4776delACATAinsC, p.Asn1591Thrfs (NM_001407610.1, NM_001407611.1, NM_001407612.1 and 17 more transcripts); c.4769_4773delACATAinsC, p.Asn1590Thrfs (NM_001407627.1, NM_001407628.1, NM_001407629.1 and 14 more transcripts); and 74 more; short protein forms N1613fs, N1592fs, N488fs, N1545fs.
Identifiers: ClinVar variation 37610 (VCV000037610.5), dbSNP rs397507237, ClinGen allele CA003016.